The following is an entry in ClinVar:

NM_001370466.1(NOD2):c.1445C>A (p.Thr482Asn)

Gene: NOD2 (nucleotide binding oligomerization domain containing 2; plus strand). Cytogenetic location: 16q12.1.
Variant type: single nucleotide variant.
Coding change: c.1445C>A on transcript NM_001370466.1 (MANE Select); coding-DNA position 1445, C replaced by A.
Protein change: p.Thr482Asn; replaces threonine 482 with asparagine.
Molecular consequence: missense variant. On other transcripts: non-coding transcript variant (1).
Genome position (GRCh38, 1-based): chr16:50,711,437, C>A. VCF-style: chr16-50711437-C-A. GRCh37 (hg19) VCF-style: chr16-50745348-C-A.
Other names: c.1526C>A (NM_022162.1); c.1445C>A, p.Thr482Asn (NM_001293557.2); c.1526C>A, p.Thr509Asn (NM_022162.3); short protein forms T509N, T482N.
Identifiers: ClinVar variation 1507983 (VCV001507983.11), dbSNP rs773580517, ClinGen allele CA8051564.

ClinVar aggregate classification (germline): Uncertain significance. Review status: criteria provided, multiple submitters, no conflicts (2 of 4 stars). 4 submissions from 4 submitters: Uncertain significance (4). Last evaluated 2025-01-15.

Conditions:
Autoinflammatory syndrome. Identifiers: Orphanet 93665, MedGen C3890737, MONDO:0019751.
Inborn genetic diseases. Identifiers: MedGen C0950123, MeSH D030342.
Blau syndrome (BLAUS). Also called: GRANULOMATOSIS, FAMILIAL JUVENILE SYSTEMIC; GRANULOMATOSIS, FAMILIAL, BLAU TYPE; GRANULOMATOUS INFLAMMATORY ARTHRITIS, DERMATITIS, AND UVEITIS, FAMILIAL; JABS SYNDROME; ARTHROCUTANEOUVEAL GRANULOMATOSIS. Identifiers: Orphanet 90340, MedGen C5201146, MONDO:0008523, OMIM 186580.
Regional enteritis. Also called: Enteritis, Granulomatous. Identifiers: MedGen C0678202, MeSH D003424.

Allele frequency attached by ClinVar (database versions not stated): ExAC 0.00001.
gnomAD v4.1: 4 of 1,613,550 alleles (0.00025%); no homozygotes.

Submissions (4):

ARUP Laboratories, Molecular Genetics and Genomics, ARUP Laboratories
Classification: Uncertain significance. Last evaluated: 2025-01-15. Review status: criteria provided, single submitter. Criteria: ARUP Molecular Germline Variant Investigation Process 2024. Collection method: clinical testing. Allele origin: germline.
Comment: The NOD2 c.1526C>A; p.Thr509Asn variant (rs773580517), to our knowledge, is not reported in the medical literature but is reported in ClinVar (Variation ID: 1507983). This variant is absent from the Genome Aggregation Database (v2.1.1), indicating it is not a common polymorphism. Computational analyses predict that this variant is deleterious (REVEL: 0.726). However, given the lack of clinical and functional data, the significance of this variant is uncertain at this time.

Labcorp Genetics (formerly Invitae), Labcorp
Classification: Uncertain significance for Regional enteritis; Blau syndrome. Last evaluated: 2024-06-27. Review status: criteria provided, single submitter. Criteria: Invitae Variant Classification Sherloc (09022015). Collection method: clinical testing. Allele origin: germline.
Comment: This sequence change replaces threonine, which is neutral and polar, with asparagine, which is neutral and polar, at codon 509 of the NOD2 protein (p.Thr509Asn). This variant is present in population databases (rs773580517, gnomAD 0.006%). This variant has not been reported in the literature in individuals affected with NOD2-related conditions. ClinVar contains an entry for this variant (Variation ID: 1507983). Advanced modeling of protein sequence and biophysical properties (such as structural, functional, and spatial information, amino acid conservation, physicochemical variation, residue mobility, and thermodynamic stability) performed at Invitae indicates that this missense variant is expected to disrupt NOD2 protein function with a positive predictive value of 80%. In summary, the available evidence is currently insufficient to determine the role of this variant in disease. Therefore, it has been classified as a Variant of Uncertain Significance.

Ambry Genetics
Classification: Uncertain significance for Inborn genetic diseases. Last evaluated: 2023-09-26. Review status: criteria provided, single submitter. Criteria: Ambry Variant Classification Scheme 2023. Collection method: clinical testing. Allele origin: germline.

Genome Diagnostics Laboratory, The Hospital for Sick Children
Classification: Uncertain significance for Autoinflammatory syndrome. Last evaluated: 2019-12-01. Review status: criteria provided, single submitter. Criteria: ACMG Guidelines, 2015. Collection method: clinical testing. Allele origin: germline. Affected: yes.